The following is an entry in ClinVar:

NM_020923.3(ZDBF2):c.5707A>G (p.Ile1903Val)

Gene: ZDBF2 (zinc finger DBF-type containing 2; plus strand). Cytogenetic location: 2q33.3.
Variant type: single nucleotide variant.
Coding change: c.5707A>G on transcript NM_020923.3 (MANE Select); coding-DNA position 5707, A replaced by G.
Protein change: p.Ile1903Val; replaces isoleucine 1903 with valine.
Molecular consequence: missense variant.
Genome position (GRCh38, 1-based): chr2:206,310,235, A>G. VCF-style: chr2-206310235-A-G. GRCh37 (hg19) VCF-style: chr2-207174959-A-G.
Other names: c.5701A>G, p.Ile1901Val (NM_001285549.2); c.5707A>G, p.Ile1903Val (NM_001369654.1); short protein forms I1901V, I1903V.
Identifiers: ClinVar variation 1481224 (VCV001481224.6), dbSNP rs764905763, ClinGen allele CA2072515.
Genomic context (GRCh38, chr2:206,310,235, plus strand): 5'-GGTAAGGAGGACACTGCACCAACTCAAGCTGTGTCAGAGAGTGATGATATTGTCTGTGGT[A>G]TTTCAGATATTGATGACTTGTCAGTGGCCTTAGATAAACCATGCCATCGTCATCCTCCAG-3'
Protein context (NP_065974.1, residues 1893-1913): VSESDDIVCG[Ile1903Val]SDIDDLSVAL

ClinVar aggregate classification (germline): Uncertain significance (1 of 4 stars; one submission).

Allele frequency attached by ClinVar (database versions not stated): gnomAD exomes below 0.00001 and 0.00001; TOPMed below 0.00001; ExAC 0.00001; gnomAD 0.00001.
gnomAD v4.1: 2 of 1,613,814 alleles (0.00012%); highest among the groups gnomAD compares: Non-Finnish European, 0.00017%; no homozygotes.

Submission:

Labcorp Genetics (formerly Invitae), Labcorp
Classification: Uncertain significance. Last evaluated: 2021-11-27. Review status: criteria provided, single submitter. Criteria: Invitae Variant Classification Sherloc (09022015). Collection method: clinical testing. Allele origin: germline.
Comment: This sequence change replaces isoleucine, which is neutral and non-polar, with valine, which is neutral and non-polar, at codon 1903 of the ZDBF2 protein (p.Ile1903Val). This variant is present in population databases (rs764905763, gnomAD 0.002%). This variant has not been reported in the literature in individuals affected with ZDBF2-related conditions. Algorithms developed to predict the effect of missense changes on protein structure and function output the following: SIFT: "Tolerated"; PolyPhen-2: "Benign"; Align-GVGD: "Class C0". The valine amino acid residue is found in multiple mammalian species, which suggests that this missense change does not adversely affect protein function. In summary, the available evidence is currently insufficient to determine the role of this variant in disease. Therefore, it has been classified as a Variant of Uncertain Significance.